The following is an entry in ClinVar:

ClinVar aggregate classification (germline): Pathogenic. Review status: criteria provided, multiple submitters, no conflicts (2 of 4 stars). 4 submissions from 4 submitters: Pathogenic (4). Last evaluated 2023-11-27.

Conditions:
EYS-related disorder. Also called: EYS-related condition.
Retinitis pigmentosa 25 (RP25). Identifiers: Orphanet 791, MedGen C1864446, MONDO:0011272, OMIM 602772.

gnomAD v4.1: 9 of 1,538,762 alleles (0.00058%); highest among the groups gnomAD compares: Admixed American, 0.0041%; no homozygotes.

Submissions (4):

Labcorp Genetics (formerly Invitae), Labcorp
Classification: Pathogenic. Last evaluated: 2023-11-27. Review status: criteria provided, single submitter. Criteria: Invitae Variant Classification Sherloc (09022015). Collection method: clinical testing. Allele origin: germline.
Comment: This sequence change affects a donor splice site in intron 22 of the EYS gene. It is expected to disrupt RNA splicing. Variants that disrupt the donor or acceptor splice site typically lead to a loss of protein function (PMID: 16199547), and loss-of-function variants in EYS are known to be pathogenic (PMID: 18836446, 20333770). This variant is present in population databases (no rsID available, gnomAD 0.005%). Disruption of this splice site has been observed in individuals with retinitis pigmentosa (PMID: 20237254, 25097241, 26667666). ClinVar contains an entry for this variant (Variation ID: 1069772). Algorithms developed to predict the effect of sequence changes on RNA splicing suggest that this variant may disrupt the consensus splice site. For these reasons, this variant has been classified as Pathogenic.

Baylor Genetics
Classification: Pathogenic for Retinitis pigmentosa 25. Last evaluated: 2023-10-21. Review status: criteria provided, single submitter. Criteria: ACMG Guidelines, 2015. Collection method: clinical testing. Allele origin: unknown.

Revvity Omics, Revvity
Classification: Pathogenic for Retinitis pigmentosa 25. Last evaluated: 2021-12-28. Review status: criteria provided, single submitter. Criteria: ACMG Guidelines, 2015. Collection method: clinical testing. Allele origin: germline.

Blueprint Genetics
Classification: Pathogenic for EYS-related disorders. Last evaluated: 2020-03-16. Review status: criteria provided, single submitter. Criteria: ACMG Guidelines, 2015. Collection method: clinical testing. Allele origin: germline. Affected: yes. Observed: 2 variant alleles.

Literature cited by the submitters: PubMed 16199547 (cited by Labcorp Genetics (formerly Invitae), Labcorp); PubMed 18836446 (cited by Labcorp Genetics (formerly Invitae), Labcorp); PubMed 20333770 (cited by Labcorp Genetics (formerly Invitae), Labcorp); PubMed 20237254 (cited by Labcorp Genetics (formerly Invitae), Labcorp); PubMed 25097241 (cited by Labcorp Genetics (formerly Invitae), Labcorp); PubMed 26667666 (cited by Labcorp Genetics (formerly Invitae), Labcorp).

NM_001142800.2(EYS):c.3443+1G>A

Gene: EYS (EGF-like photoreceptor maintenance factor; minus strand). Cytogenetic location: 6q12.
Variant type: single nucleotide variant.
Coding change: c.3443+1G>A on transcript NM_001142800.2 (MANE Select); the canonical splice donor site of the intron after coding-DNA position 3443, G replaced by A.
Molecular consequence: splice donor variant.
Genome position (GRCh38, 1-based): chr6:64,813,377, C>T on the plus strand (G>A on the coding strand, the complement: EYS is on the minus strand). VCF-style: chr6-64813377-C-T. GRCh37 (hg19) VCF-style: chr6-65523270-C-T.
Other names: c.3443+1G>A (NM_001292009.2).
Identifiers: ClinVar variation 1069772 (VCV001069772.11), dbSNP rs373441420, ClinGen allele CA364786663.
Genomic context (GRCh38, chr6:64,813,377, plus strand): 5'-GGGATGTTTATAAGCTCTCCTAAATATATATTTACTTACTTGTGGGTAAATAAATACTGA[C>T]CTGCAGTCAAAAGTATGTCCAGGCCCATCAACACAGATCCCTCCATTAAGACAGATGACT-3'